The following is an entry in ClinVar:

NM_001267550.2(TTN):c.14136A>C (p.Ala4712=)

Gene: TTN (titin; minus strand). Cytogenetic location: 2q31.2.
Variant type: single nucleotide variant.
Coding change: c.14136A>C on transcript NM_001267550.2 (MANE Select); coding-DNA position 14136, A replaced by C.
Protein change: p.Ala4712=; no amino-acid change (alanine 4712 retained).
Molecular consequence: synonymous variant.
Genome position (GRCh38, 1-based): chr2:178,738,317, T>G on the plus strand (A>C on the coding strand, the complement: TTN is on the minus strand). VCF-style: chr2-178738317-T-G. GRCh37 (hg19) VCF-style: chr2-179603044-T-G.
Other names: c.13185A>C, p.Ala4395= (NM_001256850.1); c.13047A>C, p.Ala4349= (NM_003319.4); c.10404A>C, p.Ala3468= (NM_133378.4); c.13422A>C, p.Ala4474= (NM_133432.3); c.13623A>C, p.Ala4541= (NM_133437.4).
Identifiers: ClinVar variation 512609 (VCV000512609.15), dbSNP rs370115946, ClinGen allele CA2002461.

ClinVar aggregate classification (germline): Likely benign. Review status: criteria provided, multiple submitters, no conflicts (2 of 4 stars). 4 submissions from 4 submitters: Likely benign (4). Last evaluated 2025-11-11.

Conditions:
Cardiovascular phenotype. Identifiers: MedGen CN230736.
Autosomal recessive limb-girdle muscular dystrophy type 2J (LGMDR10). Also called: Limb-girdle muscular dystrophy, type 2J; MUSCULAR DYSTROPHY, LIMB-GIRDLE, AUTOSOMAL RECESSIVE 10. Identifiers: Orphanet 140922, MedGen C1837342, MONDO:0012127, OMIM 608807.
Dilated cardiomyopathy 1G (CMD1G). Identifiers: Orphanet 154, MedGen C1858763, MONDO:0011400, OMIM 604145.
TTN-related disorder. Also called: TTN-related condition; TTN-related disease; TTN-related disorders.

Allele frequency attached by ClinVar (database versions not stated): gnomAD exomes 0.00001; TOPMed 0.00001; ExAC 0.00002; gnomAD 0.00002; ESP Exome Variant Server 0.00008.
gnomAD v4.1: 29 of 1,613,356 alleles (0.0018%); highest among the groups gnomAD compares: Non-Finnish European, 0.0024%; no homozygotes.

Submissions (4):

Labcorp Genetics (formerly Invitae), Labcorp
Classification: Likely benign for Dilated cardiomyopathy 1G; Autosomal recessive limb-girdle muscular dystrophy type 2J. Last evaluated: 2025-11-11. Review status: criteria provided, single submitter. Criteria: Invitae Variant Classification Sherloc (09022015). Collection method: clinical testing. Allele origin: germline.

PreventionGenetics, part of Exact Sciences
Classification: Likely benign for TTN-related condition. Last evaluated: 2025-08-21. Review status: criteria provided, single submitter. Criteria: ACMG Guidelines, 2015. Collection method: clinical testing. Allele origin: germline.
Comment: This variant is classified as likely benign based on ACMG/AMP sequence variant interpretation guidelines (Richards et al. 2015 PMID: 25741868, with internal and published modifications).

Ambry Genetics
Classification: Likely benign for Cardiovascular phenotype. Last evaluated: 2020-01-02. Review status: criteria provided, single submitter. Criteria: Ambry Variant Classification Scheme 2023. Collection method: clinical testing. Allele origin: germline.

GeneDx
Classification: Likely benign. Last evaluated: 2018-12-03. Review status: criteria provided, single submitter. Criteria: GeneDx Variant Classification Process June 2021. Collection method: clinical testing. Allele origin: germline. Affected: yes.